The following is an entry in ClinVar:

ClinVar aggregate classification (germline): Conflicting classifications of pathogenicity. Review status: criteria provided, conflicting classifications (1 of 4 stars). 5 submissions from 5 submitters: Uncertain significance (1); Likely benign (3). 1 of the submissions does not count toward it. Last evaluated 2026-09-01.

Conditions:
Inborn genetic diseases. Identifiers: MedGen C0950123, MeSH D030342.
TRIO-related disorder. Also called: TRIO-related condition; TRIO-related disorders.

Allele frequency attached by ClinVar (database versions not stated): gnomAD exomes 0.00016.
gnomAD v4.1: 192 of 1,094,474 alleles (0.018%); highest among the groups gnomAD compares: Middle Eastern, 0.16%; no homozygotes.

Submissions (5):

CeGaT Center for Human Genetics Tuebingen
Classification: Likely benign. Last evaluated: 2026-09-01. Review status: criteria provided, single submitter. Criteria: CeGaT Center For Human Genetics Tuebingen Variant Classification Criteria Version 2. Collection method: clinical testing. Allele origin: germline. Affected: yes. Observed: 4 variant alleles.
Comment: TRIO: BS1

Ambry Genetics
Classification: Likely benign for Inborn genetic diseases. Last evaluated: 2025-06-06. Review status: criteria provided, single submitter. Criteria: Ambry Variant Classification Scheme 2023. Collection method: clinical testing. Allele origin: germline.

Blueprint Genetics
Classification: Uncertain significance. Last evaluated: 2024-11-25. Review status: criteria provided, single submitter. Criteria: ACMG Guidelines, 2015. Collection method: clinical testing. Allele origin: germline.

GeneDx
Classification: Likely benign. Last evaluated: 2020-10-08. Review status: criteria provided, single submitter. Criteria: GeneDx Variant Classification Process June 2021. Collection method: clinical testing. Allele origin: germline. Affected: yes.

PreventionGenetics, part of Exact Sciences
Classification: Likely benign for TRIO-related condition. Last evaluated: 2022-11-22. Review status: no assertion criteria provided. Collection method: clinical testing. Allele origin: germline. Not counted in ClinVar's aggregate classification.
Comment: This variant is classified as likely benign based on ACMG/AMP sequence variant interpretation guidelines (Richards et al. 2015 PMID: 25741868, with internal and published modifications).

NM_007118.4(TRIO):c.6929G>T (p.Gly2310Val)

Gene: TRIO (trio Rho guanine nucleotide exchange factor; plus strand). Cytogenetic location: 5p15.2.
Variant type: single nucleotide variant.
Coding change: c.6929G>T on transcript NM_007118.4 (MANE Select); coding-DNA position 6929, G replaced by T.
Protein change: p.Gly2310Val; replaces glycine 2310 with valine.
Molecular consequence: missense variant. On other transcripts: non-coding transcript variant (1).
Genome position (GRCh38, 1-based): chr5:14,487,557, G>T. VCF-style: chr5-14487557-G-T. GRCh37 (hg19) VCF-style: chr5-14487666-G-T.
Other names: c.6929G>T (NM_007118.3); short protein forms G2310V.
Identifiers: ClinVar variation 1200917 (VCV001200917.15), dbSNP rs892410126, ClinGen allele CA114003705.